The following is an entry in ClinVar:

NM_004380.3(CREBBP):c.4421_4422delinsTC (p.Cys1474Phe)

Gene: CREBBP (CREB binding lysine acetyltransferase; minus strand). Cytogenetic location: 16p13.3.
Variant type: Indel.
Coding change: c.4421_4422delinsTC on transcript NM_004380.3 (MANE Select); coding-DNA positions 4421 to 4422, GT replaced by TC.
Protein change: p.Cys1474Phe; replaces cysteine 1474 with phenylalanine.
Molecular consequence: missense variant.
Genome position (GRCh38, 1-based): chr16:3,736,788-3,736,789, AC replaced by GA on the plus strand (GT replaced by TC on the coding strand, the reverse complement: CREBBP is on the minus strand). VCF-style: chr16-3736788-AC-GA. GRCh37 (hg19) VCF-style: chr16-3786789-AC-GA.
Other names: c.4421_4422delGTinsTC (NM_004380.2); c.4307_4308delinsTC, p.Cys1436Phe (NM_001079846.1); short protein forms C1436F, C1474F.
Identifiers: ClinVar variation 527957 (VCV000527957.8), dbSNP rs1555473126, ClinGen allele CA658798528.

ClinVar aggregate classification (germline): Uncertain significance (1 of 4 stars; one submission).

Conditions:
Rubinstein-Taybi syndrome (RSTS). Identifiers: Orphanet 783, MedGen C0035934, MONDO:0019188.

Submission:

Labcorp Genetics (formerly Invitae), Labcorp
Classification: Uncertain significance for Rubinstein-Taybi syndrome. Last evaluated: 2017-11-27. Review status: criteria provided, single submitter. Criteria: Invitae Variant Classification Sherloc (09022015). Collection method: clinical testing. Allele origin: germline.
Comment: In summary, the available evidence is currently insufficient to determine the role of this variant in disease. Therefore, it has been classified as a Variant of Uncertain Significance. Algorithms developed to predict the effect of missense changes on protein structure and function (SIFT, PolyPhen-2, Align-GVGD) all suggest that this variant is likely to be disruptive, but these predictions have not been confirmed by published functional studies and their clinical significance is uncertain. This variant has not been reported in the literature in individuals with CREBBP-related disease. This variant is not present in population databases (ExAC no frequency). This sequence change replaces cysteine with phenylalanine at codon 1474 of the CREBBP protein (p.Cys1474Phe). The cysteine residue is highly conserved and there is a large physicochemical difference between cysteine and phenylalanine.